The following is an entry in ClinVar:

ClinVar aggregate classification (germline): Uncertain significance (1 of 4 stars; one submission).

gnomAD v4.1: 4 of 1,569,776 alleles (0.00025%); highest among the groups gnomAD compares: South Asian, 0.0012%; no homozygotes.

Submission:

Labcorp Genetics (formerly Invitae), Labcorp
Classification: Uncertain significance. Last evaluated: 2025-08-26. Review status: criteria provided, single submitter. Criteria: Invitae Variant Classification Sherloc (09022015). Collection method: clinical testing. Allele origin: germline.
Comment: This sequence change replaces valine, which is neutral and non-polar, with isoleucine, which is neutral and non-polar, at codon 343 of the IKZF1 protein (p.Val343Ile). This variant is not present in population databases (gnomAD no frequency). This variant has not been reported in the literature in individuals affected with IKZF1-related conditions. An algorithm developed to predict the effect of missense changes on protein structure and function (PolyPhen-2) suggests that this variant is likely to be tolerated. In summary, the available evidence is currently insufficient to determine the role of this variant in disease. Therefore, it has been classified as a Variant of Uncertain Significance.

NM_006060.6(IKZF1):c.1027G>A (p.Val343Ile)

Gene: IKZF1 (IKAROS family zinc finger 1; plus strand). Cytogenetic location: 7p12.2.
Variant type: single nucleotide variant.
Coding change: c.1027G>A on transcript NM_006060.6 (MANE Select); coding-DNA position 1027, G replaced by A.
Protein change: p.Val343Ile; replaces valine 343 with isoleucine.
Molecular consequence: missense variant.
Genome position (GRCh38, 1-based): chr7:50,400,094, G>A. VCF-style: chr7-50400094-G-A. GRCh37 (hg19) VCF-style: chr7-50467792-G-A.
Other names: c.901G>A, p.Val301Ile (NM_001220765.3, NM_001291837.2); c.736G>A, p.Val246Ile (NM_001220767.2); c.766G>A, p.Val256Ile (NM_001220768.2, NM_001291838.2); c.610G>A, p.Val204Ile (NM_001220770.2); c.598G>A, p.Val200Ile (NM_001220771.2, NM_001291841.1); c.640G>A, p.Val214Ile (NM_001291839.2); c.337G>A, p.Val113Ile (NM_001291840.1); c.568G>A, p.Val190Ile (NM_001291842.1); and 3 more; short protein forms V148I, V301I, V204I, V256I, V190I, V200I, V246I, V158I.
Identifiers: ClinVar variation 4768478 (VCV004768478.1).